The following is an entry in ClinVar:

ClinVar aggregate classification (germline): Uncertain significance (1 of 4 stars; one submission).

Allele frequency attached by ClinVar (database versions not stated): gnomAD exomes 0.00004 and 0.00010; ExAC 0.00012; 1000 Genomes Project 30x 0.00031; ESP Exome Variant Server 0.00031; gnomAD 0.00033 and 0.00037; 1000 Genomes Project 0.00040; TOPMed 0.00041.
gnomAD v4.1: 139 of 1,613,978 alleles (0.0086%); highest among the groups gnomAD compares: African/African-American, 0.12%; no homozygotes.

Submission:

Labcorp Genetics (formerly Invitae), Labcorp
Classification: Uncertain significance. Last evaluated: 2026-01-26. Review status: criteria provided, single submitter. Criteria: Invitae Variant Classification Sherloc (09022015). Collection method: clinical testing. Allele origin: germline.
Comment: This sequence change replaces proline, which is neutral and non-polar, with arginine, which is basic and polar, at codon 247 of the MTHFD1 protein (p.Pro247Arg). This variant is present in population databases (rs150205662, gnomAD 0.1%). This variant has not been reported in the literature in individuals affected with MTHFD1-related conditions. ClinVar contains an entry for this variant (Variation ID: 1510847). Invitae Evidence Modeling of protein sequence and biophysical properties (such as structural, functional, and spatial information, amino acid conservation, physicochemical variation, residue mobility, and thermodynamic stability) indicates that this missense variant is not expected to disrupt MTHFD1 protein function with a negative predictive value of 80%. In summary, the available evidence is currently insufficient to determine the role of this variant in disease. Therefore, it has been classified as a Variant of Uncertain Significance.

NM_005956.4(MTHFD1):c.740C>G (p.Pro247Arg)

Gene: MTHFD1 (methylenetetrahydrofolate dehydrogenase, cyclohydrolase and formyltetrahydrofolate synthetase 1; plus strand). Cytogenetic location: 14q23.3.
Variant type: single nucleotide variant.
Coding change: c.740C>G on transcript NM_005956.4 (MANE Select); coding-DNA position 740, C replaced by G.
Protein change: p.Pro247Arg; replaces proline 247 with arginine.
Molecular consequence: missense variant.
Genome position (GRCh38, 1-based): chr14:64,424,816, C>G. VCF-style: chr14-64424816-C-G. GRCh37 (hg19) VCF-style: chr14-64891534-C-G.
Other names: c.740C>G, p.Pro247Arg (NM_001364837.1); short protein forms P247R.
Identifiers: ClinVar variation 1510847 (VCV001510847.6), dbSNP rs150205662, ClinGen allele CA7226033.